The following is an entry in ClinVar:

ClinVar aggregate classification (germline): Uncertain significance (1 of 4 stars; one submission).

gnomAD v4.1: 2 of 1,613,936 alleles (0.00012%); highest among the groups gnomAD compares: African/African-American, 0.0027%; no homozygotes.

Submission:

GeneDx
Classification: Uncertain significance. Last evaluated: 2025-02-24. Review status: criteria provided, single submitter. Criteria: GeneDx Variant Classification Process June 2021. Collection method: clinical testing. Allele origin: germline. Affected: yes.
Comment: Not observed at significant frequency in large population cohorts (gnomAD); In silico analysis supports that this missense variant has a deleterious effect on protein structure/function; Has not been previously published as pathogenic or benign to our knowledge

NM_020987.5(ANK3):c.3569A>C (p.Lys1190Thr)

Gene: ANK3 (ankyrin 3; minus strand). Cytogenetic location: 10q21.2.
Variant type: single nucleotide variant.
Coding change: c.3569A>C on transcript NM_020987.5 (MANE Select); coding-DNA position 3569, A replaced by C.
Protein change: p.Lys1190Thr; replaces lysine 1190 with threonine.
Molecular consequence: missense variant.
Genome position (GRCh38, 1-based): chr10:60,086,856, T>G on the plus strand (A>C on the coding strand, the complement: ANK3 is on the minus strand). VCF-style: chr10-60086856-T-G. GRCh37 (hg19) VCF-style: chr10-61846614-T-G.
Other names: c.971A>C, p.Lys324Thr (NM_001149.4); c.3551A>C, p.Lys1184Thr (NM_001204403.2); c.3572A>C, p.Lys1191Thr (NM_001204404.2); c.3569A>C, p.Lys1190Thr (NM_001320874.2); short protein forms K1184T, K1190T, K1191T, K324T.
Identifiers: ClinVar variation 4076586 (VCV004076586.1).